The following is an entry in ClinVar:

NM_000297.4(PKD2):c.2708_2711dup (p.Met905fs)

Gene: PKD2 (polycystin 2, transient receptor potential cation channel; plus strand). Cytogenetic location: 4q22.1.
Variant type: Duplication.
Coding change: c.2708_2711dup on transcript NM_000297.4 (MANE Select); coding-DNA positions 2708 to 2711, 4 bases duplicated (AACA; older notation c.2708_2711dupAACA).
Protein change: p.Met905fs; shifts the reading frame from methionine 905.
Molecular consequence: frameshift variant. On other transcripts: non-coding transcript variant (1).
Genome position (GRCh38, 1-based): chr4:88,075,495-88,075,498, AACA duplicated. VCF-style (leftmost placement, unchanged base first): chr4-88075494-G-GAACA. GRCh37 (hg19) VCF-style: chr4-88996646-G-GAACA.
Other names: short protein forms M905fs.
Identifiers: ClinVar variation 3252353 (VCV003252353.1), dbSNP rs2476011352.

ClinVar aggregate classification (germline): Uncertain significance (1 of 4 stars; one submission).

Allele frequency attached by ClinVar (database versions not stated): gnomAD exomes below 0.00001.

Submission:

GeneDx
Classification: Uncertain significance. Last evaluated: 2023-10-10. Review status: criteria provided, single submitter. Criteria: GeneDx Variant Classification Process June 2021. Collection method: clinical testing. Allele origin: germline. Affected: yes.
Comment: Not observed at significant frequency in large population cohorts (gnomAD); Frameshift variant predicted to result in abnormal protein length as the last 64 amino acids are replaced with 7 different amino acids; Has not been previously published as pathogenic or benign to our knowledge